The following is an entry in ClinVar:

ClinVar aggregate classification (germline): Uncertain significance (1 of 4 stars; one submission).

Conditions:
Cranioectodermal dysplasia 1 (CED1). Also called: LEVIN SYNDROME I. Identifiers: Orphanet 1515, MedGen C0432235, MONDO:0021093, OMIM 218330.

Allele frequency attached by ClinVar (database versions not stated): ExAC 0.00002; 1000 Genomes Project 30x 0.00031; 1000 Genomes Project 0.00040; gnomAD 0.00001; TOPMed 0.00001.
gnomAD v4.1: 2 of 1,609,562 alleles (0.00012%); highest among the groups gnomAD compares: South Asian, 0.0022%; 1 homozygote.

Submission:

Labcorp Genetics (formerly Invitae), Labcorp
Classification: Uncertain significance for Cranioectodermal dysplasia 1. Last evaluated: 2022-04-03. Review status: criteria provided, single submitter. Criteria: Invitae Variant Classification Sherloc (09022015). Collection method: clinical testing. Allele origin: germline.
Comment: This variant is present in population databases (rs545154429, gnomAD 0.006%), including at least one homozygous and/or hemizygous individual. This sequence change affects codon 14 of the IFT122 mRNA. It is a 'silent' change, meaning that it does not change the encoded amino acid sequence of the IFT122 protein. It affects a nucleotide within the consensus splice site. This variant has not been reported in the literature in individuals affected with IFT122-related conditions. Algorithms developed to predict the effect of sequence changes on RNA splicing suggest that this variant is not likely to affect RNA splicing. In summary, the available evidence is currently insufficient to determine the role of this variant in disease. Therefore, it has been classified as a Variant of Uncertain Significance.

NM_052989.3(IFT122):c.42T>C (p.Cys14=)

Gene: IFT122 (intraflagellar transport 122; plus strand). Cytogenetic location: 3q21.3.
Variant type: single nucleotide variant.
Coding change: c.42T>C on transcript NM_052989.3 (MANE Select); coding-DNA position 42, T replaced by C.
Protein change: p.Cys14=; no amino-acid change (cysteine 14 retained).
Molecular consequence: synonymous variant. On other transcripts: 5 prime UTR variant (2).
Genome position (GRCh38, 1-based): chr3:129,449,871, T>C. VCF-style: chr3-129449871-T-C. GRCh37 (hg19) VCF-style: chr3-129168714-T-C.
Other names: c.42T>C, p.Cys14= (NM_001280541.2, NM_001410808.1, NM_001410809.1 and 8 more transcripts); c.-560T>C (NM_001280545.2); c.-330T>C (NM_001280546.2).
Identifiers: ClinVar variation 2183685 (VCV002183685.4), dbSNP rs545154429, ClinGen allele CA2605674.